The following is an entry in ClinVar:

ClinVar aggregate classification (germline): Uncertain significance. Review status: criteria provided, multiple submitters, no conflicts (2 of 4 stars). 2 submissions from 2 submitters: Uncertain significance (2). Last evaluated 2025-07-09.

Conditions:
Inborn genetic diseases. Identifiers: MedGen C0950123, MeSH D030342.

Allele frequency attached by ClinVar (database versions not stated): gnomAD 0.00001; TOPMed 0.00001.
gnomAD v4.1: 3 of 1,548,396 alleles (0.00019%); highest among the groups gnomAD compares: Admixed American, 0.0039%; no homozygotes.

Submissions (2):

Labcorp Genetics (formerly Invitae), Labcorp
Classification: Uncertain significance. Last evaluated: 2025-07-09. Review status: criteria provided, single submitter. Criteria: Invitae Variant Classification Sherloc (09022015). Collection method: clinical testing. Allele origin: germline.
Comment: This sequence change replaces alanine, which is neutral and non-polar, with valine, which is neutral and non-polar, at codon 120 of the TCIRG1 protein (p.Ala120Val). This variant is not present in population databases (gnomAD no frequency). This variant has not been reported in the literature in individuals affected with TCIRG1-related conditions. ClinVar contains an entry for this variant (Variation ID: 1499552). Invitae Evidence Modeling of protein sequence and biophysical properties (such as structural, functional, and spatial information, amino acid conservation, physicochemical variation, residue mobility, and thermodynamic stability) indicates that this missense variant is not expected to disrupt TCIRG1 protein function with a negative predictive value of 80%. In summary, the available evidence is currently insufficient to determine the role of this variant in disease. Therefore, it has been classified as a Variant of Uncertain Significance.

Ambry Genetics
Classification: Uncertain significance for Inborn genetic diseases. Last evaluated: 2024-08-01. Review status: criteria provided, single submitter. Criteria: Ambry Variant Classification Scheme 2023. Collection method: clinical testing. Allele origin: germline.

NM_006019.4(TCIRG1):c.359C>T (p.Ala120Val)

Gene: TCIRG1 (T cell immune regulator 1, ATPase H+ transporting V0 subunit a3; plus strand). Cytogenetic location: 11q13.2.
Variant type: single nucleotide variant.
Coding change: c.359C>T on transcript NM_006019.4 (MANE Select); coding-DNA position 359, C replaced by T.
Protein change: p.Ala120Val; replaces alanine 120 with valine.
Molecular consequence: missense variant. On other transcripts: 5 prime UTR variant (1).
Genome position (GRCh38, 1-based): chr11:68,042,805, C>T. VCF-style: chr11-68042805-C-T. GRCh37 (hg19) VCF-style: chr11-67810272-C-T.
Other names: c.-891C>T (NM_001351059.2); c.359C>T (NM_006019.3); short protein forms A120V.
Identifiers: ClinVar variation 1499552 (VCV001499552.8), dbSNP rs967962426, ClinGen allele CA224203011.